The following is an entry in ClinVar:

NM_001378778.1(MPDZ):c.141G>T (p.Gln47His)

Gene: MPDZ (multiple PDZ domain crumbs cell polarity complex component; minus strand). Cytogenetic location: 9p23.
Variant type: single nucleotide variant.
Coding change: c.141G>T on transcript NM_001378778.1 (MANE Select); coding-DNA position 141, G replaced by T.
Protein change: p.Gln47His; replaces glutamine 47 with histidine.
Molecular consequence: missense variant.
Genome position (GRCh38, 1-based): chr9:13,247,677, C>A on the plus strand (G>T on the coding strand, the complement: MPDZ is on the minus strand). VCF-style: chr9-13247677-C-A. GRCh37 (hg19) VCF-style: chr9-13247676-C-A.
Other names: c.141G>T, p.Gln47His (NM_001261406.2, NM_001261407.2, NM_001330637.2 and 14 more transcripts); c.141G>T (NM_003829.3); short protein forms Q47H.
Identifiers: ClinVar variation 1386451 (VCV001386451.4), dbSNP rs765531105, ClinGen allele CA4988231.

ClinVar aggregate classification (germline): Uncertain significance. Review status: criteria provided, multiple submitters, no conflicts (2 of 4 stars). 2 submissions from 2 submitters: Uncertain significance (2). Last evaluated 2025-06-18.

Conditions:
Inborn genetic diseases. Identifiers: MedGen C0950123, MeSH D030342.

Allele frequency attached by ClinVar (database versions not stated): gnomAD 0.00002; TOPMed 0.00003; gnomAD exomes 0.00004 and 0.00007; ExAC 0.00010.
gnomAD v4.1: 25 of 1,613,412 alleles (0.0015%); highest among the groups gnomAD compares: Admixed American, 0.042%; no homozygotes.

Submissions (2):

Ambry Genetics
Classification: Uncertain significance for Inborn genetic diseases. Last evaluated: 2025-06-18. Review status: criteria provided, single submitter. Criteria: Ambry Variant Classification Scheme 2023. Collection method: clinical testing. Allele origin: germline.

Labcorp Genetics (formerly Invitae), Labcorp
Classification: Uncertain significance. Last evaluated: 2022-08-22. Review status: criteria provided, single submitter. Criteria: Invitae Variant Classification Sherloc (09022015). Collection method: clinical testing. Allele origin: germline.
Comment: This sequence change replaces glutamine, which is neutral and polar, with histidine, which is basic and polar, at codon 47 of the MPDZ protein (p.Gln47His). This variant is present in population databases (rs765531105, gnomAD 0.05%). This variant has not been reported in the literature in individuals affected with MPDZ-related conditions. ClinVar contains an entry for this variant (Variation ID: 1386451). Algorithms developed to predict the effect of missense changes on protein structure and function are either unavailable or do not agree on the potential impact of this missense change (SIFT: "Deleterious"; PolyPhen-2: "Probably Damaging"; Align-GVGD: "Class C15"). In summary, the available evidence is currently insufficient to determine the role of this variant in disease. Therefore, it has been classified as a Variant of Uncertain Significance.